The following is an entry in ClinVar:

ClinVar aggregate classification (germline): not provided. Review status: no classification provided (0 of 4 stars). 2 submissions from 1 submitter: not provided (2).

Conditions:
Small for gestational age. Also called: Low birth weight. Identifiers: MedGen C0235991, HP:0001518.
Gestational diabetes mellitus uncontrolled. Identifiers: MedGen C3532257.

Submissions (2):

Institute of Molecular and Cell Biology, University of Tartu
No classification provided. Condition: Small for gestational age. Review status: no classification provided. Collection method: case-control. Allele origin: unknown. Affected: yes. Study: Kasak2014.
Comment: The study aimed to determine the contribution of copy number variants in the genetic etiology of normal and complicated pregnancies. The samples represented (i) maternal blood DNA drawn from healthy pregnant women during 1st or 2nd trimester and (ii) maternal and paternal blood DNA drawn at term pregnancy cases representing normal and complicated gestations (severe preeclampsia, PE; gestational diabetes, GD; small-for-gestational age newborn, SGA; large-for-gestational age newborn, LGA). We performed CNV calling based on genome-wide genotyping dataset (Illumina HumanOmniExpress-24-v1 BeadChip) by applying three algorithms, QuantiSNP, GADA (Genome Alteration Detection Algorithm) and CNstream in parallel. The acquired CNV calls were merged with HD-CNV (Hotspot Detector for Copy Number Variants) program and only the CNVs predicted by at least two programs, were considered in subsequent analysis.

Institute of Molecular and Cell Biology, University of Tartu
No classification provided. Condition: Gestational diabetes mellitus uncontrolled. Review status: no classification provided. Collection method: case-control. Allele origin: unknown. Affected: yes. Study: Kasak2014.
Comment: the same text as in the submission from Institute of Molecular and Cell Biology, University of Tartu above.

Literature cited by the submitters: PubMed 25666259.

Single allele

Genes: GRIK4 (glutamate ionotropic receptor kainate type subunit 4; plus strand), LOC130006923 (ATAC-STARR-seq lymphoblastoid active region 5640; plus strand). Cytogenetic location: 11q23.3.
Variant type: Deletion.
Identifiers: ClinVar variation 157228 (VCV000157228.2).